The following is an entry in ClinVar:

NM_004183.4(BEST1):c.925T>C (p.Trp309Arg)

Gene: BEST1 (bestrophin 1; plus strand). Cytogenetic location: 11q12.3.
Variant type: single nucleotide variant.
Coding change: c.925T>C on transcript NM_004183.4 (MANE Select); coding-DNA position 925, T replaced by C.
Protein change: p.Trp309Arg; replaces tryptophan 309 with arginine.
Molecular consequence: missense variant. On other transcripts: synonymous variant (1), non-coding transcript variant (1), intron variant (1).
Genome position (GRCh38, 1-based): chr11:61,959,555, T>C. VCF-style: chr11-61959555-T-C. GRCh37 (hg19) VCF-style: chr11-61727027-T-C.
Other names: c.745T>C, p.Trp249Arg (NM_001139443.3, NM_001300787.2); c.607T>C, p.Trp203Arg (NM_001363591.3); c.1128T>C, p.Thr376= (NM_001363592.2); c.-48T>C (NM_001363593.3); c.688-337T>C (NM_001300786.2); short protein forms W249R, W309R, W203R.
Identifiers: ClinVar variation 2137122 (VCV002137122.5), dbSNP rs2541396017, ClinGen allele CA380844029.

ClinVar aggregate classification (germline): Pathogenic/Likely pathogenic. Review status: criteria provided, multiple submitters, no conflicts (2 of 4 stars). 2 submissions from 2 submitters: Pathogenic (1); Likely pathogenic (1). Last evaluated 2023-01-01.

Conditions:
Retinal dystrophy. Also called: Inherited retinal dystrophy. Identifiers: Orphanet 71862, MedGen C0854723, MeSH D058499, MONDO:0019118, HP:0000556.

gnomAD v4.1: 1 of 1,614,194 alleles (0.000062%); highest among the groups gnomAD compares: Non-Finnish European, 0.000085%; no homozygotes.

Submissions (2):

Institute of Human Genetics, Univ. Regensburg, Univ. Regensburg
Classification: Likely pathogenic for Retinal dystrophy. Last evaluated: 2023-01-01. Review status: criteria provided, single submitter. Criteria: ACMG Guidelines, 2015. Collection method: clinical testing. Allele origin: germline. Affected: yes.

Labcorp Genetics (formerly Invitae), Labcorp
Classification: Pathogenic. Last evaluated: 2022-06-15. Review status: criteria provided, single submitter. Criteria: Invitae Variant Classification Sherloc (09022015). Collection method: clinical testing. Allele origin: germline.
Comment: This variant is not present in population databases (gnomAD no frequency). For these reasons, this variant has been classified as Pathogenic. Advanced modeling of protein sequence and biophysical properties (such as structural, functional, and spatial information, amino acid conservation, physicochemical variation, residue mobility, and thermodynamic stability) performed at Invitae indicates that this missense variant is expected to disrupt BEST1 protein function. This missense change has been observed in individuals with autosomal dominant macular dystrophy (PMID: 21273940, 25082885). This sequence change replaces tryptophan, which is neutral and slightly polar, with arginine, which is basic and polar, at codon 309 of the BEST1 protein (p.Trp309Arg).

Literature cited by the submitters: PubMed 21273940 (cited by Institute of Human Genetics, Univ. Regensburg, Univ. Regensburg and Labcorp Genetics (formerly Invitae), Labcorp); PubMed 2508288 (cited by Institute of Human Genetics, Univ. Regensburg, Univ. Regensburg); PubMed 25082885 (cited by Labcorp Genetics (formerly Invitae), Labcorp).